The following is an entry in ClinVar:

NM_001367823.1(ARHGEF18):c.1142C>T (p.Ala381Val)

Gene: ARHGEF18 (Rho/Rac guanine nucleotide exchange factor 18; plus strand). Cytogenetic location: 19p13.2.
Variant type: single nucleotide variant.
Coding change: c.1142C>T on transcript NM_001367823.1 (MANE Select); coding-DNA position 1142, C replaced by T.
Protein change: p.Ala381Val; replaces alanine 381 with valine.
Molecular consequence: missense variant.
Genome position (GRCh38, 1-based): chr19:7,441,688, C>T. VCF-style: chr19-7441688-C-T. GRCh37 (hg19) VCF-style: chr19-7506574-C-T.
Other names: c.578C>T (NM_001130955.1); c.416C>T, p.Ala139Val (NM_001130955.2); c.104C>T, p.Ala35Val (NM_001367824.1, NM_015318.4); short protein forms A139V, A35V, A381V.
Identifiers: ClinVar variation 1404891 (VCV001404891.8), dbSNP rs150370217, ClinGen allele CA9136358.

ClinVar aggregate classification (germline): Conflicting classifications of pathogenicity. Review status: criteria provided, conflicting classifications (1 of 4 stars). 4 submissions from 4 submitters: Uncertain significance (2); Likely benign (2). Last evaluated 2024-11-11.

Conditions:
Inborn genetic diseases. Identifiers: MedGen C0950123, MeSH D030342.

Allele frequency attached by ClinVar (database versions not stated): gnomAD 0.00014; ESP Exome Variant Server 0.00015; TOPMed 0.00021; ExAC 0.00027; gnomAD exomes 0.00027.
gnomAD v4.1: 327 of 1,614,180 alleles (0.02%); highest among the groups gnomAD compares: Middle Eastern, 0.64%; no homozygotes.

Submissions (4):

Labcorp Genetics (formerly Invitae), Labcorp
Classification: Uncertain significance. Last evaluated: 2024-11-11. Review status: criteria provided, single submitter. Criteria: Invitae Variant Classification Sherloc (09022015). Collection method: clinical testing. Allele origin: germline.
Comment: This sequence change replaces alanine, which is neutral and non-polar, with valine, which is neutral and non-polar, at codon 193 of the ARHGEF18 protein (p.Ala193Val). This variant is present in population databases (rs150370217, gnomAD 0.05%). This variant has not been reported in the literature in individuals affected with ARHGEF18-related conditions. ClinVar contains an entry for this variant (Variation ID: 1404891). An algorithm developed to predict the effect of missense changes on protein structure and function outputs the following: PolyPhen-2: "Benign". The valine amino acid residue is found in multiple mammalian species, which suggests that this missense change does not adversely affect protein function. In summary, the available evidence is currently insufficient to determine the role of this variant in disease. Therefore, it has been classified as a Variant of Uncertain Significance.

Blueprint Genetics
Classification: Likely benign. Last evaluated: 2024-10-30. Review status: criteria provided, single submitter. Criteria: ACMG Guidelines, 2015. Collection method: clinical testing. Allele origin: germline.

Ambry Genetics
Classification: Likely benign for Inborn genetic diseases. Last evaluated: 2021-08-02. Review status: criteria provided, single submitter. Criteria: Ambry Variant Classification Scheme 2023. Collection method: clinical testing. Allele origin: germline.

Breakthrough Genomics
Classification: Uncertain significance. Review status: criteria provided, single submitter. Criteria: ACMG Guidelines, 2015. Collection method: not provided. Allele origin: germline. Inheritance: Autosomal recessive inheritance. Affected: yes.